The following is an entry in ClinVar:

NM_002454.3(MTRR):c.324dup (p.Lys109fs)

Gene: MTRR (5-methyltetrahydrofolate-homocysteine methyltransferase reductase; plus strand). Cytogenetic location: 5p15.31.
Variant type: Duplication.
Coding change: c.324dup on transcript NM_002454.3 (MANE Select); coding-DNA position 324, one base duplicated (G; older notation c.324dupG).
Protein change: p.Lys109fs; shifts the reading frame from lysine 109.
Molecular consequence: frameshift variant. On other transcripts: non-coding transcript variant (14).
Genome position (GRCh38, 1-based): chr5:7,875,298, G duplicated; the last of 6 consecutive G bases (chr5:7,875,293-7,875,298); duplicating any one gives the same sequence. VCF-style (leftmost placement, unchanged base first): chr5-7875292-T-TG. GRCh37 (hg19) VCF-style: chr5-7875405-T-TG.
Other names: c.324dup, p.Lys109fs (NM_001364440.2, NM_001364441.2, NM_001364442.2 and 1 more transcripts); c.324dup (NM_002454.2); c.324dupG (NM_002454.3); short protein forms K109fs.
Identifiers: ClinVar variation 2676873 (VCV002676873.3), dbSNP rs1189298981, ClinGen allele CA814247666.

ClinVar aggregate classification (germline): Likely pathogenic. Review status: criteria provided, multiple submitters, no conflicts (2 of 4 stars). 3 submissions from 3 submitters: Likely pathogenic (3). Last evaluated 2025-03-26.

Conditions:
Methylcobalamin deficiency type cblE (HMAE). Also called: HOMOCYSTINURIA-MEGALOBLASTIC ANEMIA, cblE COMPLEMENTATION TYPE; VITAMIN B12-RESPONSIVE HOMOCYSTINURIA, cblE TYPE; HOMOCYSTINURIA-MEGALOBLASTIC ANEMIA, cblE TYPE. Identifiers: Orphanet 2169, Orphanet 622, MedGen C1856057, MONDO:0009354, OMIM 236270.
Neural tube defects, folate-sensitive (NTDFS). Also called: NTD, FOLATE-SENSITIVE. Identifiers: Orphanet 823, MedGen C1866558, MONDO:0011120, OMIM 601634.

Submissions (3):

First Genomix Gene Laboratory, Genetic Diagnostics Department
Classification: Likely pathogenic for Methylcobalamin deficiency type cblE. Last evaluated: 2025-03-26. Review status: criteria provided, single submitter. Criteria: ACMG Guidelines, 2015. Collection method: clinical testing. Allele origin: germline. Inheritance: Autosomal recessive inheritance. Affected: no. Observed: 1 variant allele.

Natera, Inc.
Classification: Likely pathogenic for CblE complementation type homocystinuria-megaloblastic anemia due to defect in cobalamin metabolism. Last evaluated: 2024-11-18. Review status: criteria provided, single submitter. Criteria: Natera Variant Classification Schema (03/2026). Collection method: clinical testing. Allele origin: germline.
Comment: The c.324dup variant in MTRR is a frameshift variant predicted to shift the reading frame beginning at codon 109 and leads to a stop codon 4 codons downstream. This variant is expected to result in nonsense mediated decay, truncation, or a dysfunctional protein product. This variant is rare in the general population with a frequency below the threshold expected for the associated phenotype(s). Given the available evidence, this variant is classified as Likely Pathogenic.

Baylor Genetics
Classification: Likely pathogenic for Neural tube defects, folate-sensitive. Last evaluated: 2023-05-05. Review status: criteria provided, single submitter. Criteria: ACMG Guidelines, 2015. Collection method: clinical testing. Allele origin: unknown.